The following is an entry in ClinVar:

NM_000428.3(LTBP2):c.4024G>A (p.Asp1342Asn)

Gene: LTBP2 (latent transforming growth factor beta binding protein 2; minus strand). Cytogenetic location: 14q24.3.
Variant type: single nucleotide variant.
Coding change: c.4024G>A on transcript NM_000428.3 (MANE Select); coding-DNA position 4024, G replaced by A.
Protein change: p.Asp1342Asn; replaces aspartic acid 1342 with asparagine.
Molecular consequence: missense variant.
Genome position (GRCh38, 1-based): chr14:74,506,707, C>T on the plus strand (G>A on the coding strand, the complement: LTBP2 is on the minus strand). VCF-style: chr14-74506707-C-T. GRCh37 (hg19) VCF-style: chr14-74973410-C-T.
Other names: short protein forms D1342N.
Identifiers: ClinVar variation 2762394 (VCV002762394.1), dbSNP rs764951484, ClinGen allele CA7268913.

ClinVar aggregate classification (germline): Uncertain significance (1 of 4 stars; one submission).

Allele frequency attached by ClinVar (database versions not stated): ExAC 0.00001; TOPMed 0.00001; gnomAD 0.00002.
gnomAD v4.1: 14 of 1,613,600 alleles (0.00087%); highest among the groups gnomAD compares: Admixed American, 0.0017%; no homozygotes.

Submission:

Labcorp Genetics (formerly Invitae), Labcorp
Classification: Uncertain significance. Last evaluated: 2022-12-02. Review status: criteria provided, single submitter. Criteria: Invitae Variant Classification Sherloc (09022015). Collection method: clinical testing. Allele origin: germline.
Comment: In summary, the available evidence is currently insufficient to determine the role of this variant in disease. Therefore, it has been classified as a Variant of Uncertain Significance. Algorithms developed to predict the effect of missense changes on protein structure and function are either unavailable or do not agree on the potential impact of this missense change (SIFT: "Deleterious"; PolyPhen-2: "Possibly Damaging"; Align-GVGD: "Class C0"). This variant has not been reported in the literature in individuals affected with LTBP2-related conditions. This variant is present in population databases (rs764951484, gnomAD 0.003%). This sequence change replaces aspartic acid, which is acidic and polar, with asparagine, which is neutral and polar, at codon 1342 of the LTBP2 protein (p.Asp1342Asn).